The following is an entry in ClinVar:

ClinVar aggregate classification (germline): Uncertain significance (1 of 4 stars; one submission).

Allele frequency attached by ClinVar (database versions not stated): TOPMed below 0.00001; gnomAD exomes 0.00001.
gnomAD v4.1: 21 of 1,614,094 alleles (0.0013%); highest among the groups gnomAD compares: East Asian, 0.0022%; no homozygotes.

Submission:

Labcorp Genetics (formerly Invitae), Labcorp
Classification: Uncertain significance. Last evaluated: 2024-03-21. Review status: criteria provided, single submitter. Criteria: Invitae Variant Classification Sherloc (09022015). Collection method: clinical testing. Allele origin: germline.
Comment: This sequence change replaces threonine, which is neutral and polar, with isoleucine, which is neutral and non-polar, at codon 412 of the VAV1 protein (p.Thr412Ile). This variant is not present in population databases (gnomAD no frequency). This variant has not been reported in the literature in individuals affected with VAV1-related conditions. ClinVar contains an entry for this variant (Variation ID: 1376255). Algorithms developed to predict the effect of missense changes on protein structure and function output the following: SIFT: "Not Available"; PolyPhen-2: "Benign"; Align-GVGD: "Not Available". The isoleucine amino acid residue is found in multiple mammalian species, which suggests that this missense change does not adversely affect protein function. In summary, the available evidence is currently insufficient to determine the role of this variant in disease. Therefore, it has been classified as a Variant of Uncertain Significance.

NM_005428.4(VAV1):c.1235C>T (p.Thr412Ile)

Gene: VAV1 (vav guanine nucleotide exchange factor 1; plus strand). Cytogenetic location: 19p13.3.
Variant type: single nucleotide variant.
Coding change: c.1235C>T on transcript NM_005428.4 (MANE Select); coding-DNA position 1235, C replaced by T.
Protein change: p.Thr412Ile; replaces threonine 412 with isoleucine.
Molecular consequence: missense variant.
Genome position (GRCh38, 1-based): chr19:6,828,870, C>T. VCF-style: chr19-6828870-C-T. GRCh37 (hg19) VCF-style: chr19-6828881-C-T.
Other names: c.1235C>T, p.Thr412Ile (NM_001258206.2); c.1139C>T, p.Thr380Ile (NM_001258207.2); short protein forms T380I, T412I.
Identifiers: ClinVar variation 1376255 (VCV001376255.6), dbSNP rs1939389828, ClinGen allele CA403622940.